The following is an entry in ClinVar:

NM_001853.4(COL9A3):c.101C>G (p.Pro34Arg)

Gene: COL9A3 (collagen type IX alpha 3 chain; plus strand). Cytogenetic location: 20q13.33.
Variant type: single nucleotide variant.
Coding change: c.101C>G on transcript NM_001853.4 (MANE Select); coding-DNA position 101, C replaced by G.
Protein change: p.Pro34Arg; replaces proline 34 with arginine.
Molecular consequence: missense variant.
Genome position (GRCh38, 1-based): chr20:62,817,589, C>G. VCF-style: chr20-62817589-C-G. GRCh37 (hg19) VCF-style: chr20-61448941-C-G.
Other names: short protein forms P34R.
Identifiers: ClinVar variation 1346745 (VCV001346745.8), dbSNP rs1288641607, ClinGen allele CA409587102.
Genomic context (GRCh38, chr20:62,817,589, plus strand): 5'-GGGCACCTGCGCTCCTTAATGAGTTTTCTCCGTTTCAGAGAGTGGGACTCCCCGGCCCCC[C>G]CGGCCCCCCAGGGCCGCCCGGGAAGCCCGGCCAGGACGGCATTGACGTGAGTTTGGGGGT-3'
Protein context (NP_001844.3, residues 24-44): GAQRVGLPGP[Pro34Arg]GPPGPPGKPG

ClinVar aggregate classification (germline): Uncertain significance (1 of 4 stars; one submission).

Allele frequency attached by ClinVar (database versions not stated): gnomAD exomes below 0.00001; TOPMed below 0.00001.
gnomAD v4.1: 3 of 1,547,628 alleles (0.00019%); highest among the groups gnomAD compares: East Asian, 0.0024%; no homozygotes.

Submission:

Labcorp Genetics (formerly Invitae), Labcorp
Classification: Uncertain significance. Last evaluated: 2024-02-24. Review status: criteria provided, single submitter. Criteria: Invitae Variant Classification Sherloc (09022015). Collection method: clinical testing. Allele origin: germline.
Comment: This sequence change replaces proline, which is neutral and non-polar, with arginine, which is basic and polar, at codon 34 of the COL9A3 protein (p.Pro34Arg). This variant is not present in population databases (gnomAD no frequency). This variant has not been reported in the literature in individuals affected with COL9A3-related conditions. ClinVar contains an entry for this variant (Variation ID: 1346745). Advanced modeling of protein sequence and biophysical properties (such as structural, functional, and spatial information, amino acid conservation, physicochemical variation, residue mobility, and thermodynamic stability) performed at Invitae indicates that this missense variant is not expected to disrupt COL9A3 protein function with a negative predictive value of 95%. In summary, the available evidence is currently insufficient to determine the role of this variant in disease. Therefore, it has been classified as a Variant of Uncertain Significance.